The following is an entry in ClinVar:

NM_018648.4(NOP10):c.89C>G (p.Ala30Gly)

Gene: NOP10 (NOP10 ribonucleoprotein; minus strand). Cytogenetic location: 15q14.
Variant type: single nucleotide variant.
Coding change: c.89C>G on transcript NM_018648.4 (MANE Select); coding-DNA position 89, C replaced by G.
Protein change: p.Ala30Gly; replaces alanine 30 with glycine.
Molecular consequence: missense variant.
Genome position (GRCh38, 1-based): chr15:34,342,074, G>C on the plus strand (C>G on the coding strand, the complement: NOP10 is on the minus strand). VCF-style: chr15-34342074-G-C. GRCh37 (hg19) VCF-style: chr15-34634275-G-C.
Other names: short protein forms A30G.
Identifiers: ClinVar variation 857255 (VCV000857255.10), dbSNP rs748193565, ClinGen allele CA7464778.

ClinVar aggregate classification (germline): Uncertain significance (1 of 4 stars; one submission).

Conditions:
Dyskeratosis congenita, autosomal recessive 1. Identifiers: Orphanet 1775, MedGen C1857144, MONDO:0009136, OMIM 224230.

Allele frequency attached by ClinVar (database versions not stated): ExAC 0.00002.
gnomAD v4.1: 3 of 1,614,064 alleles (0.00019%); highest among the groups gnomAD compares: South Asian, 0.0033%; no homozygotes.

Submission:

Labcorp Genetics (formerly Invitae), Labcorp
Classification: Uncertain significance for Dyskeratosis congenita, autosomal recessive 1. Last evaluated: 2019-12-04. Review status: criteria provided, single submitter. Criteria: Invitae Variant Classification Sherloc (09022015). Collection method: clinical testing. Allele origin: germline.
Comment: This sequence change replaces alanine with glycine at codon 30 of the NOP10 protein (p.Ala30Gly). The alanine residue is highly conserved and there is a small physicochemical difference between alanine and glycine. This variant is present in population databases (rs748193565, ExAC 0.01%). This variant has not been reported in the literature in individuals with NOP10-related conditions. Algorithms developed to predict the effect of missense changes on protein structure and function (SIFT, PolyPhen-2, Align-GVGD) all suggest that this variant is likely to be disruptive, but these predictions have not been confirmed by published functional studies and their clinical significance is uncertain. In summary, the available evidence is currently insufficient to determine the role of this variant in disease. Therefore, it has been classified as a Variant of Uncertain Significance.